The following is an entry in ClinVar:

ClinVar aggregate classification (germline): Likely pathogenic (0 of 4 stars; one submission).

Conditions:
MYT1L-related disorder. Also called: MYT1L-related condition.

Submission:

PreventionGenetics, part of Exact Sciences
Classification: Likely pathogenic for MYT1L-related condition. Last evaluated: 2024-07-31. Review status: no assertion criteria provided. Collection method: clinical testing. Allele origin: germline.
Comment: The MYT1L c.189delA variant is predicted to result in a frameshift and premature protein termination (p.Gln64Lysfs*17). To our knowledge, this variant has not been reported in the literature or in a large population database, indicating this variant is rare. Frameshift variants in MYT1L are expected to be pathogenic. This variant is interpreted as likely pathogenic.

NM_001303052.2(MYT1L):c.189del (p.Gln64fs)

Gene: MYT1L (myelin transcription factor 1 like; minus strand). Cytogenetic location: 2p25.3.
Variant type: Deletion.
Coding change: c.189del on transcript NM_001303052.2 (MANE Select); coding-DNA position 189, one base deleted (A; older notation c.189delA).
Protein change: p.Gln64fs; shifts the reading frame from glutamine 64.
Molecular consequence: frameshift variant.
Genome position (GRCh38, 1-based): chr2:1,943,298, T deleted on the plus strand (A on the coding strand, the reverse complement: MYT1L is on the minus strand). VCF-style (leftmost placement, unchanged base first): chr2-1943297-GT-G. GRCh37 (hg19) VCF-style: chr2-1947069-GT-G.
Other names: c.189del, p.Gln64fs (NM_001329844.2, NM_001329845.1, NM_001329846.3 and 6 more transcripts); short protein forms Q64fs.
Identifiers: ClinVar variation 3349270 (VCV003349270.1).
Genomic context (GRCh38, chr2:1,943,297, plus strand): 5'-TGTCTGCTTTCACGGCAAATGGCTTTCGTTTAGGAGCAGGTTCCTGGGGCTGTTTATCTT[GT>G]GTTTTTCTTTTTTTCGCCAAGGGACAACCATATACACTAATTAAAAAAATAGAGAAGGCA-3'